The following is an entry in ClinVar:

NM_000152.5(GAA):c.2189+4_2189+5del

Gene: GAA (alpha glucosidase; plus strand). Cytogenetic location: 17q25.3.
Variant type: Deletion.
Coding change: c.2189+4_2189+5del on transcript NM_000152.5 (MANE Select); bases 4 to 5 of the intron after coding-DNA position 2189, 2 bases deleted (AG; older notation c.2189+4_2189+5delAG).
Molecular consequence: intron variant.
Genome position (GRCh38, 1-based): chr17:80,113,370-80,113,371, AG deleted; deleting any 2 consecutive bases within chr17:80,113,369-80,113,371 gives the same sequence; the c. name uses the placement nearest the transcript's 3' end. VCF-style (leftmost placement, unchanged base first): chr17-80113368-TGA-T. GRCh37 (hg19) VCF-style: chr17-78087167-TGA-T.
Other names: c.2189+4_2189+5del (NM_001406741.1, NM_001406742.1, NM_001079803.3 and 1 more transcripts).
Identifiers: ClinVar variation 4292863 (VCV004292863.1).
Genomic context (GRCh38, chr17:80,113,368, plus strand): 5'-ACACTGTTCCACCAGGCCCACGTCGCGGGGGAGACCGTGGCCCGGCCCCTCTTCCTGGAG[TGA>T]GTGACCTAGGCAGGGGCGGTGGCCCATGTGTGCCCTGGGGGAGGGGCACGTAACTCCCAG-3'

ClinVar aggregate classification (germline): Uncertain significance (1 of 4 stars; one submission).

Conditions:
Glycogen storage disease, type II (IOPD). Also called: POMPE DISEASE, INFANTILE-ONSET; GLYCOGEN STORAGE DISEASE II, INFANTILE-ONSET; ACID ALPHA-GLUCOSIDASE DEFICIENCY, INFANTILE-ONSET; GAA DEFICIENCY, INFANTILE-ONSET; ACID MALTASE DEFICIENCY, INFANTILE-ONSET; CARDIOMEGALIA GLYCOGENICA DIFFUSA. Identifiers: Orphanet 365, MedGen C0017921, MONDO:0009290, OMIM 232300.

Submission:

3billion
Classification: Uncertain significance for Glycogen storage disease, type II. Last evaluated: 2025-01-07. Review status: criteria provided, single submitter. Criteria: ACMG Guidelines, 2015. Collection method: clinical testing. Allele origin: germline. Affected: yes.
Comment: The variant is not observed in the gnomAD v4.1.0 dataset. Predicted Consequence/Location: Intron variant In silico tools predict the variant to alter splicing and produce an abnormal transcript [SpliceAI: 0.99 (>=0.2, moderate evidence for spliceogenicity)]. Therefore, this variant is classified as VUS according to the recommendation of ACMG/AMP guideline.